The following is an entry in ClinVar:

ClinVar aggregate classification (germline): Likely benign. Review status: criteria provided, single submitter (1 of 4 stars). 2 submissions from 2 submitters: Likely benign (1). 1 of the submissions does not count toward it. Last evaluated 2024-10-01.

Conditions:
TUBGCP2-related disorder. Also called: TUBGCP2-related condition.

Allele frequency attached by ClinVar (database versions not stated): 1000 Genomes Project 0.00040; 1000 Genomes Project 30x 0.00047; ExAC 0.00098; TOPMed 0.00124; gnomAD 0.00135; ESP Exome Variant Server 0.00146; gnomAD exomes 0.00217.

Submissions (2):

CeGaT Center for Human Genetics Tuebingen
Classification: Likely benign. Last evaluated: 2024-10-01. Review status: criteria provided, single submitter. Criteria: CeGaT Center For Human Genetics Tuebingen Variant Classification Criteria Version 2. Collection method: clinical testing. Allele origin: germline. Affected: yes. Observed: 4 variant alleles.
Comment: TUBGCP2: BP4, BP7

PreventionGenetics, part of Exact Sciences
Classification: Likely benign for TUBGCP2-related condition. Last evaluated: 2021-10-12. Review status: no assertion criteria provided. Collection method: clinical testing. Allele origin: germline. Not counted in ClinVar's aggregate classification.
Comment: This variant is classified as likely benign based on ACMG/AMP sequence variant interpretation guidelines (Richards et al. 2015 PMID: 25741868, with internal and published modifications).

NM_006659.4(TUBGCP2):c.1272C>T (p.Asn424=)

Gene: TUBGCP2 (tubulin gamma complex component 2; minus strand). Cytogenetic location: 10q26.3.
Variant type: single nucleotide variant.
Coding change: c.1272C>T on transcript NM_006659.4 (MANE Select); coding-DNA position 1272, C replaced by T.
Protein change: p.Asn424=; no amino-acid change (asparagine 424 retained).
Molecular consequence: synonymous variant. On other transcripts: non-coding transcript variant (1).
Genome position (GRCh38, 1-based): chr10:133,289,912, G>A on the plus strand (C>T on the coding strand, the complement: TUBGCP2 is on the minus strand). VCF-style: chr10-133289912-G-A. GRCh37 (hg19) VCF-style: chr10-135103416-G-A.
Other names: c.1356C>T (NM_001256617.1); c.1356C>T, p.Asn452= (NM_001256617.2); c.882C>T, p.Asn294= (NM_001256618.2).
Identifiers: ClinVar variation 2641015 (VCV002641015.25), dbSNP rs141945979, ClinGen allele CA5764074.